The following is an entry in ClinVar:

NM_001399.5(EDA):c.526+5G>A

Gene: EDA (ectodysplasin A; plus strand). Cytogenetic location: Xq13.1.
Variant type: single nucleotide variant.
Coding change: c.526+5G>A on transcript NM_001399.5 (MANE Select); 5 bases into the intron after coding-DNA position 526, G replaced by A.
Molecular consequence: intron variant.
Genome position (GRCh38, 1-based): chrX:70,023,246, G>A. VCF-style: chrX-70023246-G-A. GRCh37 (hg19) VCF-style: chrX-69243096-G-A.
Other names: c.526+5G>A (NM_001005609.2, NM_001005612.3).
Identifiers: ClinVar variation 581258 (VCV000581258.8), dbSNP rs397516664, ClinGen allele CA891844051.

ClinVar aggregate classification (germline): Likely pathogenic (1 of 4 stars; one submission).

Conditions:
Hypohidrotic X-linked ectodermal dysplasia (XHED). Also called: Anhidrotic ectodermal dysplasia X-linked; Christ Siemens Touraine syndrome; ECTODERMAL DYSPLASIA 1, HYPOHIDROTIC, X-LINKED; ECTODERMAL DYSPLASIA 1, HYPOHIDROTIC/HAIR/TOOTH TYPE, X-LINKED; ECTODERMAL DYSPLASIA, HYPOHIDROTIC, 1; CST SYNDROME. Identifiers: Orphanet 181, Orphanet 238468, MedGen C0162359, MONDO:0010585, OMIM 305100.

Submission:

Labcorp Genetics (formerly Invitae), Labcorp
Classification: Likely pathogenic for Hypohidrotic X-linked ectodermal dysplasia. Last evaluated: 2022-05-16. Review status: criteria provided, single submitter. Criteria: Invitae Variant Classification Sherloc (09022015). Collection method: clinical testing. Allele origin: germline.
Comment: This sequence change falls in intron 3 of the EDA gene. It does not directly change the encoded amino acid sequence of the EDA protein. It affects a nucleotide within the consensus splice site. This variant is not present in population databases (gnomAD no frequency). This variant has been observed in individual(s) with missing teeth, sparse, brittle hair and hypohidrosis (Invitae). ClinVar contains an entry for this variant (Variation ID: 581258). Variants that disrupt the consensus splice site are a relatively common cause of aberrant splicing (PMID: 17576681, 9536098). Algorithms developed to predict the effect of sequence changes on RNA splicing suggest that this variant may disrupt the consensus splice site. In summary, the currently available evidence indicates that the variant is pathogenic, but additional data are needed to prove that conclusively. Therefore, this variant has been classified as Likely Pathogenic.

Literature cited by the submitters: PubMed 17576681; PubMed 9536098.